The following is an entry in ClinVar:

NM_001267550.2(TTN):c.25706A>G (p.Tyr8569Cys)

Gene: TTN (titin; minus strand). Cytogenetic location: 2q31.2.
Variant type: single nucleotide variant.
Coding change: c.25706A>G on transcript NM_001267550.2 (MANE Select); coding-DNA position 25706, A replaced by G.
Protein change: p.Tyr8569Cys; replaces tyrosine 8569 with cysteine.
Molecular consequence: missense variant. On other transcripts: intron variant (3).
Genome position (GRCh38, 1-based): chr2:178,715,708, T>C on the plus strand (A>G on the coding strand, the complement: TTN is on the minus strand). VCF-style: chr2-178715708-T-C. GRCh37 (hg19) VCF-style: chr2-179580435-T-C.
Other names: c.21974A>G, p.Tyr7325Cys (NM_133378.4); c.24755A>G, p.Tyr8252Cys (NM_001256850.1); c.13282+22374A>G (NM_003319.4); c.13858+22374A>G (NM_133437.4); c.13657+22374A>G (NM_133432.3); short protein forms Y8569C, Y7325C, Y8252C.
Identifiers: ClinVar variation 46765 (VCV000046765.6), dbSNP rs397517516, ClinGen allele CA139150.

ClinVar aggregate classification (germline): Uncertain significance. Review status: criteria provided, multiple submitters, no conflicts (2 of 4 stars). 2 submissions from 2 submitters: Uncertain significance (2). Last evaluated 2026-08-01.

Submissions (2):

CeGaT Center for Human Genetics Tuebingen
Classification: Uncertain significance. Last evaluated: 2026-08-01. Review status: criteria provided, single submitter. Criteria: CeGaT Center For Human Genetics Tuebingen Variant Classification Criteria Version 2. Collection method: clinical testing. Allele origin: germline. Affected: yes. Observed: 1 variant allele.
Comment: TTN: PM2

Laboratory for Molecular Medicine, Mass General Brigham Personalized Medicine
Classification: Uncertain significance. Last evaluated: 2014-07-23. Review status: criteria provided, single submitter. Criteria: LMM Criteria. Collection method: clinical testing. Allele origin: germline. Observed: 2 variant alleles.
Comment: Computational prediction tools and conservation analysis do not provide strong support for or against an impact to the protein. In summary, the clinical significance of the T yr7325Cys variant is uncertain.